The following is an entry in ClinVar:

ClinVar aggregate classification (germline): Uncertain significance. Review status: criteria provided, multiple submitters, no conflicts (2 of 4 stars). 2 submissions from 2 submitters: Uncertain significance (2). Last evaluated 2023-08-08.

gnomAD v4.1: 1 of 1,613,292 alleles (0.000062%); highest among the groups gnomAD compares: Non-Finnish European, 0.000085%; no homozygotes.

Submissions (2):

Labcorp Genetics (formerly Invitae), Labcorp
Classification: Uncertain significance. Last evaluated: 2023-08-08. Review status: criteria provided, single submitter. Criteria: Invitae Variant Classification Sherloc (09022015). Collection method: clinical testing. Allele origin: germline.
Comment: This variant is not present in population databases (gnomAD no frequency). This sequence change replaces glutamine, which is neutral and polar, with arginine, which is basic and polar, at codon 1563 of the MYH9 protein (p.Gln1563Arg). This variant has not been reported in the literature in individuals affected with MYH9-related conditions. Advanced modeling of protein sequence and biophysical properties (such as structural, functional, and spatial information, amino acid conservation, physicochemical variation, residue mobility, and thermodynamic stability) has been performed at Invitae for this missense variant, however the output from this modeling did not meet the statistical confidence thresholds required to predict the impact of this variant on MYH9 protein function. In summary, the available evidence is currently insufficient to determine the role of this variant in disease. Therefore, it has been classified as a Variant of Uncertain Significance.

Blueprint Genetics
Classification: Uncertain significance. Last evaluated: 2021-12-07. Review status: criteria provided, single submitter. Criteria: ACMG Guidelines, 2015. Collection method: clinical testing. Allele origin: germline.

NM_002473.6(MYH9):c.4688A>G (p.Gln1563Arg)

Gene: MYH9 (myosin heavy chain 9; minus strand). Cytogenetic location: 22q12.3.
Variant type: single nucleotide variant.
Coding change: c.4688A>G on transcript NM_002473.6 (MANE Select); coding-DNA position 4688, A replaced by G.
Protein change: p.Gln1563Arg; replaces glutamine 1563 with arginine.
Molecular consequence: missense variant.
Genome position (GRCh38, 1-based): chr22:36,288,809, T>C on the plus strand (A>G on the coding strand, the complement: MYH9 is on the minus strand). VCF-style: chr22-36288809-T-C. GRCh37 (hg19) VCF-style: chr22-36684855-T-C.
Other names: short protein forms Q1563R.
Identifiers: ClinVar variation 2751247 (VCV002751247.4), dbSNP rs920078886, ClinGen allele CA323588546.